The following is an entry in ClinVar:

ClinVar aggregate classification (germline): Uncertain significance (1 of 4 stars; one submission).

Allele frequency attached by ClinVar (database versions not stated): TOPMed below 0.00001; gnomAD 0.00001; gnomAD exomes 0.00001.
gnomAD v4.1: 6 of 1,609,780 alleles (0.00037%); highest among the groups gnomAD compares: African/African-American, 0.008%; no homozygotes.

Submission:

Ambry Genetics
Classification: Uncertain significance. Last evaluated: 2024-04-29. Review status: criteria provided, single submitter. Criteria: Ambry Variant Classification Scheme 2023. Collection method: clinical testing. Allele origin: germline.
Comment: The p.Q658L variant (also known as c.1973A>T), located in coding exon 4 of the ALPK2 gene, results from an A to T substitution at nucleotide position 1973. The glutamine at codon 658 is replaced by leucine, an amino acid with dissimilar properties. This amino acid position is conserved. In addition, this alteration is predicted to be tolerated by in silico analysis. Since supporting evidence is limited at this time, the clinical significance of this alteration remains unclear.

NM_052947.4(ALPK2):c.1973A>T (p.Gln658Leu)

Gene: ALPK2 (alpha kinase 2; minus strand). Cytogenetic location: 18q21.31.
Variant type: single nucleotide variant.
Coding change: c.1973A>T on transcript NM_052947.4 (MANE Select); coding-DNA position 1973, A replaced by T.
Protein change: p.Gln658Leu; replaces glutamine 658 with leucine.
Molecular consequence: missense variant.
Genome position (GRCh38, 1-based): chr18:58,538,214, T>A on the plus strand (A>T on the coding strand, the complement: ALPK2 is on the minus strand). VCF-style: chr18-58538214-T-A. GRCh37 (hg19) VCF-style: chr18-56205446-T-A.
Other names: short protein forms Q658L.
Identifiers: ClinVar variation 1783658 (VCV001783658.3), dbSNP rs1432029548, ClinGen allele CA402571986.
Genomic context (GRCh38, chr18:58,538,214, plus strand): 5'-CCAGCAGGCTCTGAGAAAGCTGGCATCTGGCTGCAAGAGATTGTCTCTCTGACTGTTTCC[T>A]GAACTTGTACCTAGGAAGATGAAAAGTGATATTAGTAGAATTGTTCATGGGAGAGCCCAC-3'
Protein context (NP_443179.3, residues 648-668): DWSDPPQVQV[Gln658Leu]ETVRETISCS